The following is an entry in ClinVar:

ClinVar aggregate classification (germline): Uncertain significance (1 of 4 stars; one submission).

Submission:

Labcorp Genetics (formerly Invitae), Labcorp
Classification: Uncertain significance. Last evaluated: 2025-04-13. Review status: criteria provided, single submitter. Criteria: Invitae Variant Classification Sherloc (09022015). Collection method: clinical testing. Allele origin: germline.
Comment: This sequence change affects codon 66 of the FZD2 mRNA. It is a 'silent' change, meaning that it does not change the encoded amino acid sequence of the FZD2 protein. This variant is present in population databases (rs756054375, gnomAD 0.0009%). This variant has not been reported in the literature in individuals affected with FZD2-related conditions. ClinVar contains an entry for this variant (Variation ID: 3604688). In summary, the available evidence is currently insufficient to determine the role of this variant in disease. Therefore, it has been classified as a Variant of Uncertain Significance.

NM_001466.4(FZD2):c.198G>A (p.Gln66=)

Gene: FZD2 (frizzled class receptor 2; plus strand). Cytogenetic location: 17q21.31.
Variant type: single nucleotide variant.
Coding change: c.198G>A on transcript NM_001466.4 (MANE Select); coding-DNA position 198, G replaced by A.
Protein change: p.Gln66=; no amino-acid change (glutamine 66 retained).
Molecular consequence: synonymous variant.
Genome position (GRCh38, 1-based): chr17:44,557,886, G>A. VCF-style: chr17-44557886-G-A. GRCh37 (hg19) VCF-style: chr17-42635254-G-A.
Identifiers: ClinVar variation 3604688 (VCV003604688.2).